The following is an entry in ClinVar:

NM_001283009.2(RTEL1):c.2771G>T (p.Gly924Val)

Genes: RTEL1 (regulator of telomere elongation helicase 1; plus strand), RTEL1-TNFRSF6B (RTEL1-TNFRSF6B readthrough (NMD candidate); plus strand). Cytogenetic location: 20q13.33.
Variant type: single nucleotide variant.
Coding change: c.2771G>T on transcript NM_001283009.2 (MANE Select); coding-DNA position 2771, G replaced by T.
Protein change: p.Gly924Val; replaces glycine 924 with valine.
Molecular consequence: missense variant. On other transcripts: non-coding transcript variant (1).
Genome position (GRCh38, 1-based): chr20:63,692,923, G>T. VCF-style: chr20-63692923-G-T. GRCh37 (hg19) VCF-style: chr20-62324276-G-T.
Other names: c.2102G>T, p.Gly701Val (NM_001283010.1); c.2771G>T, p.Gly924Val (NM_016434.4); c.2843G>T, p.Gly948Val (NM_032957.5); short protein forms G924V, G948V, G701V.
Identifiers: ClinVar variation 3791214 (VCV003791214.1).

ClinVar aggregate classification (germline): Uncertain significance (1 of 4 stars; one submission).

Conditions:
Inborn genetic diseases. Identifiers: MedGen C0950123, MeSH D030342.

gnomAD v4.1: 1 of 1,612,654 alleles (0.000062%); highest among the groups gnomAD compares: Non-Finnish European, 0.000085%; no homozygotes.

Submission:

Ambry Genetics
Classification: Uncertain significance for Inborn genetic diseases. Last evaluated: 2025-03-10. Review status: criteria provided, single submitter. Criteria: Ambry Variant Classification Scheme 2023. Collection method: clinical testing. Allele origin: germline.
Comment: The p.G924V variant (also known as c.2771G>T), located in coding exon 28 of the RTEL1 gene, results from a G to T substitution at nucleotide position 2771. The glycine at codon 924 is replaced by valine, an amino acid with dissimilar properties. This amino acid position is conserved. In addition, this alteration is predicted to be tolerated by in silico analysis. Based on the available evidence, the clinical significance of this variant remains unclear.